The following is an entry in ClinVar:

NM_004369.4(COL6A3):c.3197G>A (p.Arg1066His)

Gene: COL6A3 (collagen type VI alpha 3 chain; minus strand). Cytogenetic location: 2q37.3.
Variant type: single nucleotide variant.
Coding change: c.3197G>A on transcript NM_004369.4 (MANE Select); coding-DNA position 3197, G replaced by A.
Protein change: p.Arg1066His; replaces arginine 1066 with histidine.
Molecular consequence: missense variant.
Genome position (GRCh38, 1-based): chr2:237,374,894, C>T on the plus strand (G>A on the coding strand, the complement: COL6A3 is on the minus strand). VCF-style: chr2-237374894-C-T. GRCh37 (hg19) VCF-style: chr2-238283537-C-T.
Other names: c.1976G>A, p.Arg659His (NM_057164.5); c.2579G>A, p.Arg860His (NM_057165.5, NM_057167.4); c.1376G>A, p.Arg459His (NM_057166.5); short protein forms R1066H, R459H, R659H, R860H.
Identifiers: ClinVar variation 855546 (VCV000855546.10), dbSNP rs768971873, ClinGen allele CA2189220.

ClinVar aggregate classification (germline): Uncertain significance (1 of 4 stars; one submission).

Conditions:
Bethlem myopathy 1A. Also called: MYOPATHY, BENIGN CONGENITAL, WITH CONTRACTURES; Bethlem myopathy 1; Bethlem Muscular Dystrophy. Identifiers: Orphanet 610, MedGen CN029274, MONDO:0024530, OMIM 158810.

Allele frequency attached by ClinVar (database versions not stated): TOPMed 0.00003; ExAC 0.00002; gnomAD exomes 0.00002; gnomAD 0.00001.

Submission:

Labcorp Genetics (formerly Invitae), Labcorp
Classification: Uncertain significance for Bethlem myopathy 1A. Last evaluated: 2024-08-21. Review status: criteria provided, single submitter. Criteria: Invitae Variant Classification Sherloc (09022015). Collection method: clinical testing. Allele origin: germline.
Comment: This sequence change replaces arginine, which is basic and polar, with histidine, which is basic and polar, at codon 1066 of the COL6A3 protein (p.Arg1066His). This variant is present in population databases (rs768971873, gnomAD 0.01%). This variant has not been reported in the literature in individuals affected with COL6A3-related conditions. ClinVar contains an entry for this variant (Variation ID: 855546). Invitae Evidence Modeling of protein sequence and biophysical properties (such as structural, functional, and spatial information, amino acid conservation, physicochemical variation, residue mobility, and thermodynamic stability) indicates that this missense variant is not expected to disrupt COL6A3 protein function with a negative predictive value of 80%. In summary, the available evidence is currently insufficient to determine the role of this variant in disease. Therefore, it has been classified as a Variant of Uncertain Significance.